The following is an entry in ClinVar:

NM_194248.3(OTOF):c.5431A>T (p.Lys1811Ter)

Gene: OTOF (otoferlin; minus strand). Cytogenetic location: 2p23.3.
Variant type: single nucleotide variant.
Coding change: c.5431A>T on transcript NM_194248.3 (MANE Select); coding-DNA position 5431, A replaced by T.
Protein change: p.Lys1811Ter; replaces lysine 1811 with a stop codon.
Molecular consequence: nonsense.
Genome position (GRCh38, 1-based): chr2:26,461,798, T>A on the plus strand (A>T on the coding strand, the complement: OTOF is on the minus strand). VCF-style: chr2-26461798-T-A. GRCh37 (hg19) VCF-style: chr2-26684666-T-A.
Other names: c.5431A>T, p.Lys1811Ter (NM_001287489.2); c.3130A>T, p.Lys1044Ter (NM_004802.4, NM_194323.3); c.3361A>T, p.Lys1121Ter (NM_194322.3); short protein forms K1044*, K1121*, K1811*.
Identifiers: ClinVar variation 1185575 (VCV001185575.4), dbSNP rs1487432642, ClinGen allele CA346131468.
Genomic context (GRCh38, chr2:26,461,798, plus strand): 5'-GCAGGGTGAGCCGCGCGGGGATCTTGTACTCGGTCTCGTCCCAGGAGAACATGGACTCCT[T>A]CTTGGAGATGACGATCTTCTCCTCCGCCGCCAGGTAGTCGAAGGGGAACAGGTAGCGCCA-3'

ClinVar aggregate classification (germline): Pathogenic/Likely pathogenic. Review status: criteria provided, multiple submitters, no conflicts (2 of 4 stars). 2 submissions from 2 submitters: Pathogenic (1); Likely pathogenic (1). Last evaluated 2023-02-21.

Conditions:
Bilateral sensorineural hearing impairment. Also called: Bilateral sensorineural hearing loss. Identifiers: MedGen C0452138, HP:0008619.

Allele frequency attached by ClinVar (database versions not stated): gnomAD exomes below 0.00001; TOPMed below 0.00001.
gnomAD v4.1: 3 of 1,614,098 alleles (0.00019%); highest among the groups gnomAD compares: Non-Finnish European, 0.00025%; no homozygotes.

Submissions (2):

Labcorp Genetics (formerly Invitae), Labcorp
Classification: Pathogenic. Last evaluated: 2023-02-21. Review status: criteria provided, single submitter. Criteria: Invitae Variant Classification Sherloc (09022015). Collection method: clinical testing. Allele origin: germline.
Comment: For these reasons, this variant has been classified as Pathogenic. Algorithms developed to predict the effect of sequence changes on RNA splicing suggest that this variant may create or strengthen a splice site. ClinVar contains an entry for this variant (Variation ID: 1185575). This premature translational stop signal has been observed in individual(s) with clinical features of OTOF-related conditions (PMID: 19461658). This variant is not present in population databases (gnomAD no frequency). This sequence change creates a premature translational stop signal (p.Lys1811*) in the OTOF gene. It is expected to result in an absent or disrupted protein product. Loss-of-function variants in OTOF are known to be pathogenic (PMID: 18381613, 19250381, 22575033).

Laboratory of Human Genetics, Institute of Biosciences - University of Sao Paulo
Classification: Likely pathogenic for Bilateral sensorineural hearing impairment. Review status: criteria provided, single submitter. Criteria: ClinGen HL ACMG Specifications v1. Collection method: research. Allele origin: germline. Affected: yes. Observed: 1 compound heterozygote.

Literature cited by the submitters: PubMed 19461658 (cited by Labcorp Genetics (formerly Invitae), Labcorp and Laboratory of Human Genetics, Institute of Biosciences - University of Sao Paulo); PubMed 18381613 (cited by Labcorp Genetics (formerly Invitae), Labcorp); PubMed 19250381 (cited by Labcorp Genetics (formerly Invitae), Labcorp); PubMed 22575033 (cited by Labcorp Genetics (formerly Invitae), Labcorp); PubMed 34652575 (cited by Laboratory of Human Genetics, Institute of Biosciences - University of Sao Paulo).